The following is an entry in ClinVar:

ClinVar aggregate classification (germline): Uncertain significance (1 of 4 stars; one submission).

Submission:

Labcorp Genetics (formerly Invitae), Labcorp
Classification: Uncertain significance. Last evaluated: 2022-02-28. Review status: criteria provided, single submitter. Criteria: Invitae Variant Classification Sherloc (09022015). Collection method: clinical testing. Allele origin: germline.
Comment: This sequence change replaces histidine, which is basic and polar, with glutamine, which is neutral and polar, at codon 244 of the SAMD9 protein (p.His244Gln). This variant is not present in population databases (gnomAD no frequency). This variant has not been reported in the literature in individuals affected with SAMD9-related conditions. Algorithms developed to predict the effect of missense changes on protein structure and function output the following: SIFT: "Deleterious"; PolyPhen-2: "Benign"; Align-GVGD: "Class C0". The glutamine amino acid residue is found in multiple mammalian species, which suggests that this missense change does not adversely affect protein function. In summary, the available evidence is currently insufficient to determine the role of this variant in disease. Therefore, it has been classified as a Variant of Uncertain Significance.

NM_017654.4(SAMD9):c.732T>A (p.His244Gln)

Gene: SAMD9 (sterile alpha motif domain containing 9; minus strand). Cytogenetic location: 7q21.2.
Variant type: single nucleotide variant.
Coding change: c.732T>A on transcript NM_017654.4 (MANE Select); coding-DNA position 732, T replaced by A.
Protein change: p.His244Gln; replaces histidine 244 with glutamine.
Molecular consequence: missense variant.
Genome position (GRCh38, 1-based): chr7:93,105,366, A>T on the plus strand (T>A on the coding strand, the complement: SAMD9 is on the minus strand). VCF-style: chr7-93105366-A-T. GRCh37 (hg19) VCF-style: chr7-92734679-A-T.
Other names: c.732T>A, p.His244Gln (NM_001193307.2); short protein forms H244Q.
Identifiers: ClinVar variation 1935609 (VCV001935609.2), dbSNP rs1362565736, ClinGen allele CA368204015.